The following is an entry in ClinVar:

NM_004655.4(AXIN2):c.1272C>T (p.Ser424=)

Gene: AXIN2 (axin 2; minus strand). Cytogenetic location: 17q24.1.
Variant type: single nucleotide variant.
Coding change: c.1272C>T on transcript NM_004655.4 (MANE Select); coding-DNA position 1272, C replaced by T.
Protein change: p.Ser424=; no amino-acid change (serine 424 retained).
Molecular consequence: synonymous variant.
Genome position (GRCh38, 1-based): chr17:65,537,764, G>A on the plus strand (C>T on the coding strand, the complement: AXIN2 is on the minus strand). VCF-style: chr17-65537764-G-A. GRCh37 (hg19) VCF-style: chr17-63533882-G-A.
Other names: c.1272C>T, p.Ser424= (NM_001363813.1).
Identifiers: ClinVar variation 2087214 (VCV002087214.6), dbSNP rs768259872, ClinGen allele CA8718691.

ClinVar aggregate classification (germline): Benign/Likely benign. Review status: criteria provided, multiple submitters, no conflicts (2 of 4 stars). 3 submissions from 3 submitters: Benign (1); Likely benign (2). Last evaluated 2024-07-02.

Conditions:
Oligodontia-cancer predisposition syndrome. Also called: TOOTH AGENESIS-COLORECTAL CANCER SYNDROME. Identifiers: Orphanet 300576, MedGen C1837750, MONDO:0012075, OMIM 608615. Disease mechanism: loss of function.
Hereditary cancer-predisposing syndrome. Also called: Tumor predisposition; Hereditary Cancer Syndrome; Hereditary neoplastic syndrome; Neoplastic Syndromes, Hereditary. Identifiers: Orphanet 140162, MedGen C0027672, MeSH D009386, MONDO:0015356.

Allele frequency attached by ClinVar (database versions not stated): ExAC 0.00003.
gnomAD v4.1: 2 of 1,584,914 alleles (0.00013%); highest among the groups gnomAD compares: Non-Finnish European, 0.00017%; no homozygotes.

Submissions (3):

Myriad Genetics, Inc.
Classification: Benign for Oligodontia-cancer predisposition syndrome. Last evaluated: 2024-07-02. Review status: criteria provided, single submitter. Criteria: Myriad Autosomal Dominant, Autosomal Recessive and X-Linked Classification Criteria (2023). Collection method: clinical testing. Allele origin: unknown.
Comment: This variant is considered benign. This variant is a silent/synonymous amino acid change and it is not expected to impact splicing.

Ambry Genetics
Classification: Likely benign for Hereditary cancer-predisposing syndrome. Last evaluated: 2023-11-22. Review status: criteria provided, single submitter. Criteria: Ambry Variant Classification Scheme 2023. Collection method: clinical testing. Allele origin: germline.

Labcorp Genetics (formerly Invitae), Labcorp
Classification: Likely benign for Oligodontia-cancer predisposition syndrome. Last evaluated: 2023-07-19. Review status: criteria provided, single submitter. Criteria: Invitae Variant Classification Sherloc (09022015). Collection method: clinical testing. Allele origin: germline.